The following is an entry in ClinVar:

ClinVar aggregate classification (germline): Uncertain significance. Review status: criteria provided, multiple submitters, no conflicts (2 of 4 stars). 4 submissions from 4 submitters: Uncertain significance (4). Last evaluated 2026-06-08.

Conditions:
PLEC-related disorder. Also called: PLEC-related condition; PLEC-related disorders.
Inborn genetic diseases. Identifiers: MedGen C0950123, MeSH D030342.
Epidermolysis bullosa simplex, Ogna type (EBS5A). Also called: Pidermolysis bullosa simplex 5A, Ogna type; EPIDERMOLYSIS BULLOSA SIMPLEX 5A, OGNA TYPE. Identifiers: Orphanet 79401, MedGen C0432317, MONDO:0007555, OMIM 131950.
Epidermolysis bullosa simplex 5B, with muscular dystrophy (EBS5B). Also called: Epidermolysis bullosa simplex with muscular dystrophy; EPIDERMOLYSIS BULLOSA SIMPLEX AND LIMB-GIRDLE MUSCULAR DYSTROPHY. Identifiers: Orphanet 257, MedGen C2931072, MONDO:0009181, OMIM 226670.
Epidermolysis bullosa simplex 5C, with pyloric atresia (EBS5C). Also called: PLEC-Related Epidermolysis Bullosa with Pyloric Atresia; Epidermolysis bullosa simplex with pyloric atresia; PLEC1-Related Epidermolysis Bullosa with Pyloric Atresia. Identifiers: Orphanet 158684, MedGen C2677349, MONDO:0012807, OMIM 612138.
Autosomal recessive limb-girdle muscular dystrophy type 2Q (LGMDR17). Also called: MUSCULAR DYSTROPHY, LIMB-GIRDLE, AUTOSOMAL RECESSIVE 17. Identifiers: Orphanet 254361, MedGen C3150989, MONDO:0013390, OMIM 613723.
Epidermolysis bullosa simplex with nail dystrophy (EBS5D). Identifiers: MedGen C4225309, MONDO:0014661, OMIM 616487.

Allele frequency attached by ClinVar (database versions not stated): TOPMed 0.00003; gnomAD 0.00004; gnomAD exomes 0.00004; 1000 Genomes Project 30x 0.00016.
gnomAD v4.1: 62 of 1,568,148 alleles (0.004%); highest among the groups gnomAD compares: Middle Eastern, 0.017%; no homozygotes.

Submissions (4):

PreventionGenetics, part of Exact Sciences
Classification: Uncertain significance for PLEC-related condition. Last evaluated: 2026-06-08. Review status: criteria provided, single submitter. Criteria: ACMG Guidelines, 2015. Collection method: clinical testing. Allele origin: germline.
Comment: The PLEC c.11500G>A variant is predicted to result in the amino acid substitution p.Gly3834Ser. To our knowledge, this variant has not been reported in the literature. This variant is reported in 0.011% of alleles in individuals of Latino descent in gnomAD. At this time, the clinical significance of this variant is uncertain due to the absence of conclusive functional and genetic evidence.

Labcorp Genetics (formerly Invitae), Labcorp
Classification: Uncertain significance for Autosomal recessive limb-girdle muscular dystrophy type 2Q; Epidermolysis bullosa simplex, Ogna type; Epidermolysis bullosa simplex with nail dystrophy; Epidermolysis bullosa simplex 5C, with pyloric atresia; Epidermolysis bullosa simplex 5B, with muscular dystrophy. Last evaluated: 2025-10-20. Review status: criteria provided, single submitter. Criteria: Invitae Variant Classification Sherloc (09022015). Collection method: clinical testing. Allele origin: germline.
Comment: This sequence change replaces glycine, which is neutral and non-polar, with serine, which is neutral and polar, at codon 3834 of the PLEC protein (p.Gly3834Ser). This variant is present in population databases (no rsID available, gnomAD 0.01%). This variant has not been reported in the literature in individuals affected with PLEC-related conditions. ClinVar contains an entry for this variant (Variation ID: 1966243). An algorithm developed to predict the effect of missense changes on protein structure and function (PolyPhen-2) suggests that this variant is likely to be disruptive. In summary, the available evidence is currently insufficient to determine the role of this variant in disease. Therefore, it has been classified as a Variant of Uncertain Significance.

Ambry Genetics
Classification: Uncertain significance for Inborn genetic diseases. Last evaluated: 2024-07-27. Review status: criteria provided, single submitter. Criteria: Ambry Variant Classification Scheme 2023. Collection method: clinical testing. Allele origin: germline.

Revvity Omics, Revvity
Classification: Uncertain significance. Last evaluated: 2021-06-10. Review status: criteria provided, single submitter. Criteria: ACMG Guidelines, 2015. Collection method: clinical testing. Allele origin: germline.

NM_201384.3(PLEC):c.11419G>A (p.Gly3807Ser)

Gene: PLEC (plectin; minus strand). Cytogenetic location: 8q24.3.
Variant type: single nucleotide variant.
Coding change: c.11419G>A on transcript NM_201384.3 (MANE Select); coding-DNA position 11419, G replaced by A.
Protein change: p.Gly3807Ser; replaces glycine 3807 with serine.
Molecular consequence: missense variant.
Genome position (GRCh38, 1-based): chr8:143,918,402, C>T on the plus strand (G>A on the coding strand, the complement: PLEC is on the minus strand). VCF-style: chr8-143918402-C-T. GRCh37 (hg19) VCF-style: chr8-144992570-C-T.
Other names: c.11500G>A (NM_000445.4, NM_000445.3); c.11500G>A, p.Gly3834Ser (NM_000445.5); c.8119G>A, p.Gly2707Ser (NM_001410941.1); c.11377G>A, p.Gly3793Ser (NM_201378.4); c.11353G>A, p.Gly3785Ser (NM_201379.3); c.11830G>A, p.Gly3944Ser (NM_201380.4); c.11323G>A, p.Gly3775Ser (NM_201381.3); c.11419G>A, p.Gly3807Ser (NM_201382.4); and 1 more; short protein forms G3834S, G2707S, G3785S, G3793S, G3811S, G3944S, G3807S, G3775S.
Identifiers: ClinVar variation 1966243 (VCV001966243.10), dbSNP rs1018093835, ClinGen allele CA187607506.